The following is an entry in ClinVar:

NM_006030.4(CACNA2D2):c.2780G>A (p.Arg927His)

Genes: CACNA2D2 (calcium voltage-gated channel auxiliary subunit alpha2delta 2; minus strand), LOC101928965 (uncharacterized LOC101928965; plus strand), LOC127898564 (CYB561D2-LOC101928965; plus strand). Cytogenetic location: 3p21.31.
Variant type: single nucleotide variant.
Coding change: c.2780G>A on transcript NM_006030.4 (MANE Select); coding-DNA position 2780, G replaced by A.
Protein change: p.Arg927His; replaces arginine 927 with histidine.
Molecular consequence: missense variant.
Genome position (GRCh38, 1-based): chr3:50,366,093, C>T on the plus strand (G>A on the coding strand, the complement: CACNA2D2 is on the minus strand). VCF-style: chr3-50366093-C-T. GRCh37 (hg19) VCF-style: chr3-50403524-C-T.
Other names: c.2780G>A, p.Arg927His (NM_001005505.3); c.2801G>A, p.Arg934His (NM_001174051.3); c.2573G>A, p.Arg858His (NM_001291101.1); c.2783G>A, p.Arg928His (NM_001410768.1); c.2801G>A (NM_001174051.1); short protein forms R858H, R927H, R928H, R934H.
Identifiers: ClinVar variation 2421741 (VCV002421741.8), dbSNP rs761523126, ClinGen allele CA2418369.

ClinVar aggregate classification (germline): Uncertain significance. Review status: criteria provided, multiple submitters, no conflicts (2 of 4 stars). 2 submissions from 2 submitters: Uncertain significance (2). Last evaluated 2025-11-08.

Conditions:
Early-infantile DEE. Also called: Early infantile epileptic encephalopathy; Early infantile epileptic encephalopathy with suppression bursts; Ohtahara syndrome. Identifiers: Orphanet 1934, MedGen C0393706, MONDO:0800491.
Inborn genetic diseases. Identifiers: MedGen C0950123, MeSH D030342.

Allele frequency attached by ClinVar (database versions not stated): ExAC 0.00002; gnomAD 0.00003; TOPMed 0.00004.
gnomAD v4.1: 16 of 1,613,692 alleles (0.00099%); highest among the groups gnomAD compares: African/African-American, 0.0053%; no homozygotes.

Submissions (2):

Ambry Genetics
Classification: Uncertain significance for Inborn genetic diseases. Last evaluated: 2025-11-08. Review status: criteria provided, single submitter. Criteria: Ambry Variant Classification Scheme 2023. Collection method: clinical testing. Allele origin: germline.

Labcorp Genetics (formerly Invitae), Labcorp
Classification: Uncertain significance for Early-infantile DEE. Last evaluated: 2025-06-16. Review status: criteria provided, single submitter. Criteria: Invitae Variant Classification Sherloc (09022015). Collection method: clinical testing. Allele origin: germline.
Comment: This sequence change replaces arginine, which is basic and polar, with histidine, which is basic and polar, at codon 927 of the CACNA2D2 protein (p.Arg927His). This variant is present in population databases (rs761523126, gnomAD 0.01%). This variant has not been reported in the literature in individuals affected with CACNA2D2-related conditions. ClinVar contains an entry for this variant (Variation ID: 2421741). An algorithm developed to predict the effect of missense changes on protein structure and function (PolyPhen-2) suggests that this variant is likely to be tolerated. In summary, the available evidence is currently insufficient to determine the role of this variant in disease. Therefore, it has been classified as a Variant of Uncertain Significance.